The following is an entry in ClinVar:

ClinVar aggregate classification (germline): Pathogenic. Review status: criteria provided, multiple submitters, no conflicts (2 of 4 stars). 2 submissions from 2 submitters: Pathogenic (2). Last evaluated 2025-10-31.

Conditions:
POLR-related leukodystrophy. Also called: 4H leukodystrophy. Identifiers: Orphanet 289494, MedGen C5679947, MONDO:0100605.

Allele frequency attached by ClinVar (database versions not stated): gnomAD exomes below 0.00001; TOPMed below 0.00001; gnomAD 0.00001.

Submissions (2):

Women's Health and Genetics/Laboratory Corporation of America, LabCorp
Classification: Pathogenic for POLR-related leukodystrophy. Last evaluated: 2025-10-31. Review status: criteria provided, single submitter. Criteria: LabCorp Variant Classification Summary - May 2015. Collection method: clinical testing. Allele origin: germline.
Comment: Variant summary: POLR3A c.3951dupG (p.Leu1318AlafsX5) results in a premature termination codon, predicted to cause a truncation of the encoded protein or absence of the protein due to nonsense mediated decay, which are commonly known mechanisms for disease. The variant allele was found at a frequency of 4e-06 in 251304 control chromosomes. To our knowledge, no occurrence of c.3951dupG in individuals affected with POLR3A-related conditions and no experimental evidence demonstrating its impact on protein function have been reported. ClinVar contains an entry for this variant (Variation ID: 1903818). Based on the evidence outlined above, the variant was classified as pathogenic.

Labcorp Genetics (formerly Invitae), Labcorp
Classification: Pathogenic. Last evaluated: 2022-05-30. Review status: criteria provided, single submitter. Criteria: Invitae Variant Classification Sherloc (09022015). Collection method: clinical testing. Allele origin: germline.
Comment: This sequence change creates a premature translational stop signal (p.Leu1318Alafs*5) in the POLR3A gene. It is expected to result in an absent or disrupted protein product. Loss-of-function variants in POLR3A are known to be pathogenic (PMID: 21855841, 25339210, 27612211, 30414627, 30450527). This variant is not present in population databases (gnomAD no frequency). This variant has not been reported in the literature in individuals affected with POLR3A-related conditions. For these reasons, this variant has been classified as Pathogenic.

Literature cited by the submitters: PubMed 21855841 (cited by Labcorp Genetics (formerly Invitae), Labcorp); PubMed 25339210 (cited by Labcorp Genetics (formerly Invitae), Labcorp); PubMed 27612211 (cited by Labcorp Genetics (formerly Invitae), Labcorp); PubMed 30414627 (cited by Labcorp Genetics (formerly Invitae), Labcorp); PubMed 30450527 (cited by Labcorp Genetics (formerly Invitae), Labcorp).

NM_007055.4(POLR3A):c.3951dup (p.Leu1318fs)

Gene: POLR3A (RNA polymerase III subunit A; minus strand). Cytogenetic location: 10q22.3.
Variant type: Duplication.
Coding change: c.3951dup on transcript NM_007055.4 (MANE Select); coding-DNA position 3951, one base duplicated (G; older notation c.3951dupG).
Protein change: p.Leu1318fs; shifts the reading frame from leucine 1318.
Molecular consequence: frameshift variant.
Genome position (GRCh38, 1-based): chr10:77,980,214, C duplicated on the plus strand (G on the coding strand, the reverse complement: POLR3A is on the minus strand). VCF-style (leftmost placement, unchanged base first): chr10-77980213-G-GC. GRCh37 (hg19) VCF-style: chr10-79739971-G-GC.
Other names: c.3951dupG (NM_007055.4); short protein forms L1318fs.
Identifiers: ClinVar variation 1903818 (VCV001903818.6), dbSNP rs1430601173, ClinGen allele CA668635599.